The following is an entry in ClinVar:

NM_016222.4(DDX41):c.608A>G (p.His203Arg)

Gene: DDX41 (DEAD-box helicase 41; minus strand). Cytogenetic location: 5q35.3.
Variant type: single nucleotide variant.
Coding change: c.608A>G on transcript NM_016222.4 (MANE Select); coding-DNA position 608, A replaced by G.
Protein change: p.His203Arg; replaces histidine 203 with arginine.
Molecular consequence: missense variant.
Genome position (GRCh38, 1-based): chr5:177,515,222, T>C on the plus strand (A>G on the coding strand, the complement: DDX41 is on the minus strand). VCF-style: chr5-177515222-T-C. GRCh37 (hg19) VCF-style: chr5-176942223-T-C.
Other names: c.230A>G, p.His77Arg (NM_001321732.2, NM_001321830.2); c.608A>G (NM_016222.2); short protein forms H203R, H77R.
Identifiers: ClinVar variation 2994560 (VCV002994560.4), dbSNP rs905341773, ClinGen allele CA132892764.

ClinVar aggregate classification (germline): Conflicting classifications of pathogenicity. Review status: criteria provided, conflicting classifications (1 of 4 stars). 2 submissions from 2 submitters: Uncertain significance (1); Likely benign (1). Last evaluated 2025-06-18.

Conditions:
Inborn genetic diseases. Identifiers: MedGen C0950123, MeSH D030342.

Allele frequency attached by ClinVar (database versions not stated): gnomAD 0.00001; gnomAD exomes 0.00001; TOPMed 0.00001.
gnomAD v4.1: 4 of 1,613,768 alleles (0.00025%); highest among the groups gnomAD compares: Admixed American, 0.0067%; no homozygotes.

Submissions (2):

Ambry Genetics
Classification: Likely benign for Inborn genetic diseases. Last evaluated: 2025-06-18. Review status: criteria provided, single submitter. Criteria: Ambry Variant Classification Scheme 2023. Collection method: clinical testing. Allele origin: germline.

Labcorp Genetics (formerly Invitae), Labcorp
Classification: Uncertain significance. Last evaluated: 2024-12-23. Review status: criteria provided, single submitter. Criteria: Invitae Variant Classification Sherloc (09022015). Collection method: clinical testing. Allele origin: germline.
Comment: This sequence change replaces histidine, which is basic and polar, with arginine, which is basic and polar, at codon 203 of the DDX41 protein (p.His203Arg). This variant is present in population databases (no rsID available, gnomAD 0.009%). This missense change has been observed in individual(s) with DDX41-related conditions (PMID: 30963592, 37665752). ClinVar contains an entry for this variant (Variation ID: 2994560). An algorithm developed to predict the effect of missense changes on protein structure and function (PolyPhen-2) suggests that this variant is likely to be tolerated. In summary, the available evidence is currently insufficient to determine the role of this variant in disease. Therefore, it has been classified as a Variant of Uncertain Significance.

Literature cited by the submitters: PubMed 30963592 (cited by Labcorp Genetics (formerly Invitae), Labcorp); PubMed 37665752 (cited by Labcorp Genetics (formerly Invitae), Labcorp).